The following is an entry in ClinVar:

ClinVar aggregate classification (germline): Pathogenic (1 of 4 stars; one submission).

Submission:

GeneDx
Classification: Pathogenic. Last evaluated: 2022-04-19. Review status: criteria provided, single submitter. Criteria: GeneDx Variant Classification Process June 2021. Collection method: clinical testing. Allele origin: germline. Affected: yes.
Comment: Identified in an individual with Cantu syndrome in the published literature (Grange et al., 2019); Not observed at significant frequency in large population cohorts (gnomAD); In silico analysis supports that this missense variant has a deleterious effect on protein structure/function; This variant is associated with the following publications: (PMID: 32926509, 31828977)

NM_020297.4(ABCC9):c.2444G>C (p.Gly815Ala)

Gene: ABCC9 (ATP binding cassette subfamily C member 9; minus strand). Cytogenetic location: 12p12.1.
Variant type: single nucleotide variant.
Coding change: c.2444G>C on transcript NM_020297.4 (MANE Select); coding-DNA position 2444, G replaced by C.
Protein change: p.Gly815Ala; replaces glycine 815 with alanine.
Molecular consequence: missense variant.
Genome position (GRCh38, 1-based): chr12:21,859,647, C>G on the plus strand (G>C on the coding strand, the complement: ABCC9 is on the minus strand). VCF-style: chr12-21859647-C-G. GRCh37 (hg19) VCF-style: chr12-22012581-C-G.
Other names: c.2444G>C, p.Gly815Ala (NM_001377273.1, NM_005691.4); c.1577G>C, p.Gly526Ala (NM_001377274.1); short protein forms G526A, G815A.
Identifiers: ClinVar variation 1712081 (VCV001712081.2), dbSNP rs2541196350, ClinGen allele CA384127031.